The following is an entry in ClinVar:

ClinVar aggregate classification (germline): Likely pathogenic (1 of 4 stars; one submission).

Conditions:
Tay-Sachs disease (TSD). Also called: HEXA DEFICIENCY; HEXA Disorders; GM2 gangliosidosis, type 1; Hexosaminidase alpha-subunit deficiency (variant B); Sphingolipidosis, Tay-Sachs; Hexosaminidase A Deficiency. Identifiers: Orphanet 845, MedGen C0039373, MONDO:0010100, OMIM 272800.

Submission:

Natera, Inc.
Classification: Likely pathogenic for Tay-Sachs disease. Last evaluated: 2025-12-31. Review status: criteria provided, single submitter. Criteria: Natera Variant Classification Schema (03/2026). Collection method: clinical testing. Allele origin: germline.
Comment: The c.798G>A variant in HEXA is a nonsense variant predicted to introduce a stop codon at amino acid 266. This variant is expected to result in nonsense mediated decay, truncation, or a dysfunctional protein product. This variant is rare in the general population with a frequency below the threshold expected for the associated phenotype(s). Given the available evidence, this variant is classified as Likely Pathogenic.

NM_000520.6(HEXA):c.798G>A (p.Trp266Ter)

Gene: HEXA (hexosaminidase subunit alpha; minus strand). Cytogenetic location: 15q23.
Variant type: single nucleotide variant.
Coding change: c.798G>A on transcript NM_000520.6 (MANE Select); coding-DNA position 798, G replaced by A.
Protein change: p.Trp266Ter; replaces tryptophan 266 with a stop codon.
Molecular consequence: nonsense. On other transcripts: non-coding transcript variant (1).
Genome position (GRCh38, 1-based): chr15:72,350,525, C>T on the plus strand (G>A on the coding strand, the complement: HEXA is on the minus strand). VCF-style: chr15-72350525-C-T. GRCh37 (hg19) VCF-style: chr15-72642866-C-T.
Other names: c.831G>A, p.Trp277Ter (NM_001318825.2); short protein forms W266*, W277*.
Identifiers: ClinVar variation 4814274 (VCV004814274.1).